The following is an entry in ClinVar:

NM_006767.4(LZTR1):c.1209_1210delinsTA (p.Gly404Arg)

Gene: LZTR1 (leucine zipper like post translational regulator 1; plus strand). Cytogenetic location: 22q11.21.
Variant type: Indel.
Coding change: c.1209_1210delinsTA on transcript NM_006767.4 (MANE Select); coding-DNA positions 1209 to 1210, CG replaced by TA.
Protein change: p.Gly404Arg; replaces glycine 404 with arginine.
Molecular consequence: missense variant.
Genome position (GRCh38, 1-based): chr22:20,992,853-20,992,854, CG replaced by TA. VCF-style: chr22-20992853-CG-TA. GRCh37 (hg19) VCF-style: chr22-21347142-CG-TA.
Other names: short protein forms G404R.
Identifiers: ClinVar variation 1464953 (VCV001464953.6), dbSNP rs2147965989, ClinGen allele CA2573157811.
Genomic context (GRCh38, chr22:20,992,853, plus strand): 5'-GCTGCCCAGTGGGAGGCTCTTCCACGCGGCTGCTGTCATCTCGGACGCCATGTACATCTT[CG>TA]GGGGCACGGTGGACAACAACATCCGCAGCGGGGAGATGTACAGGTTCCAGGTGTGGGGCC-3'
Protein context (NP_006758.2, residues 394-414): AVISDAMYIF[Gly404Arg]GTVDNNIRSG

ClinVar aggregate classification (germline): Uncertain significance (1 of 4 stars; one submission).

Submission:

Labcorp Genetics (formerly Invitae), Labcorp
Classification: Uncertain significance. Last evaluated: 2021-10-05. Review status: criteria provided, single submitter. Criteria: Invitae Variant Classification Sherloc (09022015). Collection method: clinical testing. Allele origin: germline.
Comment: Experimental studies have shown that this missense change affects LZTR1 function (PMID: 30442762). Algorithms developed to predict the effect of variants on protein structure and function are not available or were not evaluated for this variant. This missense change has been observed in individual(s) with schwannomatosis (PMID: 24362817, 27856782). The frequency data for this variant in the population databases is not available, as this variant may be reported as separate entries in the ExAC database. This sequence change replaces glycine with arginine at codon 404 of the LZTR1 protein (p.Gly404Arg). The glycine residue is highly conserved and there is a moderate physicochemical difference between glycine and arginine. Algorithms developed to predict the effect of sequence changes on RNA splicing suggest that this variant may create or strengthen a splice site. In summary, the available evidence is currently insufficient to determine the role of this variant in disease. Therefore, it has been classified as a Variant of Uncertain Significance.

Literature cited by the submitters: PubMed 30442762; PubMed 24362817; PubMed 27856782.